The following is an entry in ClinVar:

ClinVar aggregate classification (germline): Uncertain significance. Review status: criteria provided, multiple submitters, no conflicts (2 of 4 stars). 2 submissions from 2 submitters: Uncertain significance (2). Last evaluated 2024-02-22.

gnomAD v4.1: 2 of 1,614,216 alleles (0.00012%); highest among the groups gnomAD compares: Non-Finnish European, 0.00017%; no homozygotes.

Submissions (2):

Labcorp Genetics (formerly Invitae), Labcorp
Classification: Uncertain significance. Last evaluated: 2024-02-22. Review status: criteria provided, single submitter. Criteria: Invitae Variant Classification Sherloc (09022015). Collection method: clinical testing. Allele origin: germline.
Comment: This sequence change replaces arginine, which is basic and polar, with histidine, which is basic and polar, at codon 2177 of the TRRAP protein (p.Arg2177His). This variant is not present in population databases (gnomAD no frequency). This variant has not been reported in the literature in individuals affected with TRRAP-related conditions. ClinVar contains an entry for this variant (Variation ID: 1303493). Advanced modeling of protein sequence and biophysical properties (such as structural, functional, and spatial information, amino acid conservation, physicochemical variation, residue mobility, and thermodynamic stability) performed at Invitae indicates that this missense variant is not expected to disrupt TRRAP protein function with a negative predictive value of 80%. In summary, the available evidence is currently insufficient to determine the role of this variant in disease. Therefore, it has been classified as a Variant of Uncertain Significance.

GeneDx
Classification: Uncertain significance. Last evaluated: 2021-06-23. Review status: criteria provided, single submitter. Criteria: GeneDx Variant Classification Process June 2021. Collection method: clinical testing. Allele origin: germline. Affected: yes.
Comment: Identified in a family with a history of prostate cancer; no additional clinical information available (Hayano et al., 2016); Not observed at significant frequency in large population cohorts (Lek et al., 2016); In silico analysis supports that this missense variant has a deleterious effect on protein structure/function; This variant is associated with the following publications: (PMID: 27535533, 27701467)

NM_001375524.1(TRRAP):c.6605G>A (p.Arg2202His)

Gene: TRRAP (transformation/transcription domain associated protein; plus strand). Cytogenetic location: 7q22.1.
Variant type: single nucleotide variant.
Coding change: c.6605G>A on transcript NM_001375524.1 (MANE Select); coding-DNA position 6605, G replaced by A.
Protein change: p.Arg2202His; replaces arginine 2202 with histidine.
Molecular consequence: missense variant.
Genome position (GRCh38, 1-based): chr7:98,961,376, G>A. VCF-style: chr7-98961376-G-A. GRCh37 (hg19) VCF-style: chr7-98558999-G-A.
Other names: c.6584G>A, p.Arg2195His (NM_001244580.2); c.6530G>A, p.Arg2177His (NM_003496.4); short protein forms R2177H, R2195H, R2202H.
Identifiers: ClinVar variation 1303493 (VCV001303493.4), dbSNP rs2116664411, ClinGen allele CA368285115.
Genomic context (GRCh38, chr7:98,961,376, plus strand): 5'-GCTTCCTGCTAACTGTCCTCCAGTCCCCAGCCATCCTCAGTAGCTTCAAACCTCTGCAGC[G>A]TGGAATTGCCGCCTGCATGACATGTGGAAACACCAAGGTGTTGCGAGCCGTCCACAGCCT-3'
Protein context (NP_001362453.1, residues 2192-2212): AILSSFKPLQ[Arg2202His]GIAACMTCGN